The following is an entry in ClinVar:

ClinVar aggregate classification (germline): Benign/Likely benign. Review status: criteria provided, multiple submitters, no conflicts (2 of 4 stars). 3 submissions from 3 submitters: Benign (2); Likely benign (1). Last evaluated 2025-11-17.

Conditions:
Imerslund-Grasbeck syndrome type 1 (IGS1). Also called: MEGALOBLASTIC ANEMIA, 1; Megaloblastic anemia 1, Finnish type; Imerslund-Gräsbeck syndrome 1. Identifiers: MedGen C4016819, MONDO:0100156, OMIM 261100.
Imerslund-Grasbeck syndrome. Also called: ENTEROCYTE COBALAMIN MALABSORPTION; ENTEROCYTE INTRINSIC FACTOR RECEPTOR, DEFECT OF; Megaloblastic anemia due to inborn errors of metabolism; PERNICIOUS ANEMIA, JUVENILE, DUE TO SELECTIVE INTESTINAL MALABSORPTION OF VITAMIN B12, WITH PROTEINURIA; Imerslund-Gräsbeck syndrome. Identifiers: Orphanet 35858, MedGen C4551825, MONDO:0009853.

Allele frequency attached by ClinVar (database versions not stated): gnomAD exomes 0.00021 and 0.00053; ExAC 0.00065; 1000 Genomes Project 0.00140; gnomAD 0.00167 and 0.00180; TOPMed 0.00186; 1000 Genomes Project 30x 0.00219; ESP Exome Variant Server 0.00246.
gnomAD v4.1: 563 of 1,599,412 alleles (0.035%); highest among the groups gnomAD compares: African/African-American, 0.63%; 3 homozygotes.

Submissions (3):

Labcorp Genetics (formerly Invitae), Labcorp
Classification: Benign for Imerslund-Grasbeck syndrome. Last evaluated: 2025-11-17. Review status: criteria provided, single submitter. Criteria: Invitae Variant Classification Sherloc (09022015). Collection method: clinical testing. Allele origin: germline.

Blueprint Genetics
Classification: Likely benign. Last evaluated: 2024-10-02. Review status: criteria provided, single submitter. Criteria: ACMG Guidelines, 2015. Collection method: clinical testing. Allele origin: germline.

Illumina Laboratory Services, Illumina
Classification: Benign for Imerslund-Grasbeck syndrome type 1. Last evaluated: 2018-03-26. Review status: criteria provided, single submitter. Criteria: ICSL Variant Classification Criteria 13 December 2019. Collection method: clinical testing. Allele origin: germline.
Comment: This variant was observed in the ICSL laboratory as part of a predisposition screen in an ostensibly healthy population. It had not been previously curated by ICSL or reported in the Human Gene Mutation Database (HGMD: prior to June 1st, 2018), and was therefore a candidate for classification through an automated scoring system. Utilizing variant allele frequency, disease prevalence and penetrance estimates, and inheritance mode, an automated score was calculated to assess if this variant is too frequent to cause the disease. Based on the score and internal cut-off values, a variant classified as benign is not then subjected to further curation. The score for this variant resulted in a classification of benign for this disease.

NM_001081.4(CUBN):c.7706-4T>C

Gene: CUBN (cubilin; minus strand). Cytogenetic location: 10p13.
Variant type: single nucleotide variant.
Coding change: c.7706-4T>C on transcript NM_001081.4 (MANE Select); 4 bases into the intron before coding-DNA position 7706, T replaced by C.
Molecular consequence: intron variant.
Genome position (GRCh38, 1-based): chr10:16,906,413, A>G on the plus strand (T>C on the coding strand, the complement: CUBN is on the minus strand). VCF-style: chr10-16906413-A-G. GRCh37 (hg19) VCF-style: chr10-16948412-A-G.
Identifiers: ClinVar variation 696305 (VCV000696305.11), dbSNP rs374979108, ClinGen allele CA5423262.